The following is an entry in ClinVar:

NM_001164508.2(NEB):c.25035C>T (p.Asp8345=)

Genes: NEB (nebulin; minus strand), RIF1 (replication timing regulatory factor 1; plus strand). Cytogenetic location: 2q23.3.
Variant type: single nucleotide variant.
Coding change: c.25035C>T on transcript NM_001164508.2 (MANE Select); coding-DNA position 25035, C replaced by T.
Protein change: p.Asp8345=; no amino-acid change (aspartic acid 8345 retained).
Molecular consequence: synonymous variant.
Genome position (GRCh38, 1-based): chr2:151,492,120, G>A on the plus strand (C>T on the coding strand, the complement: NEB is on the minus strand). VCF-style: chr2-151492120-G-A. GRCh37 (hg19) VCF-style: chr2-152348634-G-A.
Other names: c.25035C>T, p.Asp8345= (NM_001164507.2); c.25140C>T, p.Asp8380= (NM_001271208.2); c.19467C>T, p.Asp6489= (NM_004543.5).
Identifiers: ClinVar variation 95123 (VCV000095123.53), dbSNP rs201825451, ClinGen allele CA222752.

ClinVar aggregate classification (germline): Conflicting classifications of pathogenicity. Review status: criteria provided, conflicting classifications (1 of 4 stars). 8 submissions from 8 submitters: Uncertain significance (2); Benign (2); Likely benign (3). 1 of the submissions does not count toward it. Last evaluated 2026-09-01.

Conditions:
NEB-related disorder. Also called: NEB-related condition; NEB-Related Disorders.
Nemaline myopathy 2 (NEM2). Also called: Nemaline myopathy 2, autosomal recessive. Identifiers: MedGen C1850569, MONDO:0009725, OMIM 256030.

Allele frequency attached by ClinVar (database versions not stated): 1000 Genomes Project 30x 0.00047; 1000 Genomes Project 0.00060; gnomAD exomes 0.00106 and 0.00157; gnomAD 0.00123 and 0.00131; ExAC 0.00138; TOPMed 0.00140; ESP Exome Variant Server 0.00165.
gnomAD v4.1: 1,830 of 1,613,808 alleles (0.11%); highest among the groups gnomAD compares: Middle Eastern, 0.96%; 9 homozygotes.

Submissions (8):

CeGaT Center for Human Genetics Tuebingen
Classification: Likely benign. Last evaluated: 2026-09-01. Review status: criteria provided, single submitter. Criteria: CeGaT Center For Human Genetics Tuebingen Variant Classification Criteria Version 2. Collection method: clinical testing. Allele origin: germline. Affected: yes. Observed: 4 variant alleles.
Comment: NEB: BP4, BP7

Labcorp Genetics (formerly Invitae), Labcorp
Classification: Likely benign for Nemaline myopathy 2. Last evaluated: 2026-02-01. Review status: criteria provided, single submitter. Criteria: Invitae Variant Classification Sherloc (09022015). Collection method: clinical testing. Allele origin: germline.

PreventionGenetics, part of Exact Sciences
Classification: Benign for NEB-related condition. Last evaluated: 2025-11-19. Review status: criteria provided, single submitter. Criteria: ACMG Guidelines, 2015. Collection method: clinical testing. Allele origin: germline.
Comment: This variant is classified as benign based on ACMG/AMP sequence variant interpretation guidelines (Richards et al. 2015 PMID: 25741868, with internal and published modifications).

Blueprint Genetics
Classification: Likely benign. Last evaluated: 2024-11-19. Review status: criteria provided, single submitter. Criteria: ACMG Guidelines, 2015. Collection method: clinical testing. Allele origin: germline.

GeneDx
Classification: Benign. Last evaluated: 2018-11-30. Review status: criteria provided, single submitter. Criteria: GeneDx Variant Classification Process June 2021. Collection method: clinical testing. Allele origin: germline. Affected: yes.
Comment: This variant is associated with the following publications: (PMID: 25203624)

Illumina Laboratory Services, Illumina
Classification: Uncertain significance for Nemaline myopathy 2. Last evaluated: 2018-01-13. Review status: criteria provided, single submitter. Criteria: ICSL Variant Classification Criteria 13 December 2019. Collection method: clinical testing. Allele origin: germline.

Eurofins Ntd Llc (ga)
Classification: Uncertain significance. Last evaluated: 2016-01-29. Review status: criteria provided, single submitter. Criteria: EGL Classification Definitions 2015. Collection method: clinical testing. Allele origin: germline. Observed: 4 variant alleles, 4 heterozygotes.

Natera, Inc.
Classification: Benign for Nemaline myopathy type 2. Last evaluated: 2019-10-21. Review status: no assertion criteria provided. Collection method: clinical testing. Allele origin: germline. Not counted in ClinVar's aggregate classification.